The following is an entry in ClinVar:

NM_000211.5(ITGB2):c.433_436del (p.Asn145fs)

Gene: ITGB2 (integrin subunit beta 2; minus strand). Cytogenetic location: 21q22.3.
Variant type: Deletion.
Coding change: c.433_436del on transcript NM_000211.5 (MANE Select); coding-DNA positions 433 to 436, 4 bases deleted (AATG; older notation c.433_436delAATG).
Protein change: p.Asn145fs; shifts the reading frame from asparagine 145.
Molecular consequence: frameshift variant.
Genome position (GRCh38, 1-based): chr21:44,903,428-44,903,431, CATT deleted on the plus strand (AATG on the coding strand, the reverse complement: ITGB2 is on the minus strand); deleting any 4 consecutive bases within chr21:44,903,428-44,903,432 gives the same sequence; the c. name uses the placement nearest the transcript's 3' end. VCF-style (leftmost placement, unchanged base first): chr21-44903427-ACATT-A. GRCh37 (hg19) VCF-style: chr21-46323342-ACATT-A.
Other names: c.433_436del, p.Asn145fs (NM_001127491.3); c.226_229del, p.Asn76fs (NM_001303238.2); short protein forms N145fs, N76fs.
Identifiers: ClinVar variation 2825893 (VCV002825893.3), dbSNP rs2517138391, ClinGen allele CA2739267708.

ClinVar aggregate classification (germline): Pathogenic (1 of 4 stars; one submission).

Conditions:
Leukocyte adhesion deficiency 1 (LAD1). Also called: LAD 1; Lymphocyte function-associated antigen 1 immunodeficiency; LFA 1 immunodeficiency; LEUKOCYTE ADHESION DEFICIENCY, TYPE I. Identifiers: Orphanet 2968, Orphanet 99842, MedGen C0398738, MONDO:0007293, OMIM 116920.

Submission:

Labcorp Genetics (formerly Invitae), Labcorp
Classification: Pathogenic for Leukocyte adhesion deficiency 1. Last evaluated: 2023-01-01. Review status: criteria provided, single submitter. Criteria: Invitae Variant Classification Sherloc (09022015). Collection method: clinical testing. Allele origin: germline.
Comment: This variant has not been reported in the literature in individuals affected with ITGB2-related conditions. Algorithms developed to predict the effect of sequence changes on RNA splicing suggest that this variant may create or strengthen a splice site. For these reasons, this variant has been classified as Pathogenic. This sequence change creates a premature translational stop signal (p.Asn145Serfs*4) in the ITGB2 gene. It is expected to result in an absent or disrupted protein product. Loss-of-function variants in ITGB2 are known to be pathogenic (PMID: 22134107, 25703682). This variant is not present in population databases (gnomAD no frequency).

Literature cited by the submitters: PubMed 22134107; PubMed 25703682.